The following is an entry in ClinVar:

ClinVar aggregate classification (germline): Likely pathogenic (1 of 4 stars; one submission).

Conditions:
Lissencephaly type 1 due to doublecortin gene mutation. Also called: LISSENCEPHALY AND AGENESIS OF CORPUS CALLOSUM; LISSENCEPHALY, X-LINKED, 1. Identifiers: Orphanet 2148, MedGen C4551968, MONDO:0010239, OMIM 300067.

Submission:

HUSP Clinical Genetics Laboratory, Hospital Universitario San Pedro De Logroño (HUSP)
Classification: Likely pathogenic for Lissencephaly type 1 due to doublecortin gene mutation. Review status: criteria provided, single submitter. Criteria: ACMG Guidelines, 2015. Collection method: clinical testing. Allele origin: de novo. Inheritance: X-linked inheritance. Affected: yes. Observed: 1 variant allele.
Comment: The c.1282C>T variant in the DCX (NM_000555.3) gene results in a change of the predicted protein (p.Pro428Ser). This variant has not been reported previously in the literature and it is not detected in general population. Pathogenic variants in the DCX gene have been associated with the following phenotype: lissencephaly and subcortical band heterotopia (OMIM: 300067), with X-linked inheritance.

NM_001195553.2(DCX):c.1057C>T (p.Pro353Ser)

Gene: DCX (doublecortin; minus strand). Cytogenetic location: Xq23.
Variant type: single nucleotide variant.
Coding change: c.1057C>T on transcript NM_001195553.2 (MANE Select); coding-DNA position 1057, C replaced by T.
Protein change: p.Pro353Ser; replaces proline 353 with serine.
Molecular consequence: missense variant.
Genome position (GRCh38, 1-based): chrX:111,301,731, G>A on the plus strand (C>T on the coding strand, the complement: DCX is on the minus strand). VCF-style: chrX-111301731-G-A. GRCh37 (hg19) VCF-style: chrX-110544959-G-A.
Other names: c.1282C>T, p.Pro428Ser (NM_000555.3); c.1057C>T, p.Pro353Ser (NM_001369370.1); c.1054C>T, p.Pro352Ser (NM_001369371.1, NM_178152.3); c.1042C>T, p.Pro348Ser (NM_001369372.1); c.944C>T, p.Ala315Val (NM_001369373.1, NM_001369374.1); c.959C>T, p.Ala320Val (NM_001410715.1); c.1039C>T, p.Pro347Ser (NM_178151.3, NM_178153.3); short protein forms A315V, A320V, P347S, P348S, P352S, P353S, P428S.
Identifiers: ClinVar variation 2575083 (VCV002575083.1), dbSNP rs2524628032, ClinGen allele CA414237416.